The following is an entry in ClinVar:

NM_005732.4(RAD50):c.1742A>G (p.His581Arg)

Gene: RAD50 (RAD50 double strand break repair protein; plus strand). Cytogenetic location: 5q31.1.
Variant type: single nucleotide variant.
Coding change: c.1742A>G on transcript NM_005732.4 (MANE Select); coding-DNA position 1742, A replaced by G.
Protein change: p.His581Arg; replaces histidine 581 with arginine.
Molecular consequence: missense variant.
Genome position (GRCh38, 1-based): chr5:132,591,983, A>G. VCF-style: chr5-132591983-A-G. GRCh37 (hg19) VCF-style: chr5-131927675-A-G.
Other names: short protein forms H581R.
Identifiers: ClinVar variation 232753 (VCV000232753.14), dbSNP rs368551951, ClinGen allele CA3405236.

ClinVar aggregate classification (germline): Uncertain significance. Review status: criteria provided, multiple submitters, no conflicts (2 of 4 stars). 2 submissions from 2 submitters: Uncertain significance (2). Last evaluated 2024-05-22.

Conditions:
Hereditary cancer-predisposing syndrome. Also called: Neoplastic Syndromes, Hereditary; Tumor predisposition; Hereditary Cancer Syndrome; Hereditary neoplastic syndrome. Identifiers: Orphanet 140162, MedGen C0027672, MeSH D009386, MONDO:0015356.

Allele frequency attached by ClinVar (database versions not stated): gnomAD exomes below 0.00001 and 0.00001; gnomAD 0.00001; TOPMed 0.00001; ExAC 0.00002; ESP Exome Variant Server 0.00008.
gnomAD v4.1: 3 of 1,613,120 alleles (0.00019%); highest among the groups gnomAD compares: Non-Finnish European, 0.00025%; no homozygotes.

Submissions (2):

Labcorp Genetics (formerly Invitae), Labcorp
Classification: Uncertain significance for Hereditary cancer-predisposing syndrome. Last evaluated: 2024-05-22. Review status: criteria provided, single submitter. Criteria: Invitae Variant Classification Sherloc (09022015). Collection method: clinical testing. Allele origin: germline.
Comment: This sequence change replaces histidine, which is basic and polar, with arginine, which is basic and polar, at codon 581 of the RAD50 protein (p.His581Arg). This variant is present in population databases (rs368551951, gnomAD 0.002%). This variant has not been reported in the literature in individuals affected with RAD50-related conditions. ClinVar contains an entry for this variant (Variation ID: 232753). Advanced modeling of protein sequence and biophysical properties (such as structural, functional, and spatial information, amino acid conservation, physicochemical variation, residue mobility, and thermodynamic stability) performed at Invitae indicates that this missense variant is not expected to disrupt RAD50 protein function with a negative predictive value of 80%. In summary, the available evidence is currently insufficient to determine the role of this variant in disease. Therefore, it has been classified as a Variant of Uncertain Significance.

Ambry Genetics
Classification: Uncertain significance for Hereditary cancer-predisposing syndrome. Last evaluated: 2023-02-15. Review status: criteria provided, single submitter. Criteria: Ambry Variant Classification Scheme 2023. Collection method: clinical testing. Allele origin: germline.
Comment: The p.H581R variant (also known as c.1742A>G), located in coding exon 11 of the RAD50 gene, results from an A to G substitution at nucleotide position 1742. The histidine at codon 581 is replaced by arginine, an amino acid with highly similar properties. This amino acid position is well conserved in available vertebrate species. In addition, this alteration is predicted to be tolerated by in silico analysis. Since supporting evidence is limited at this time, the clinical significance of this alteration remains unclear.